The following is an entry in ClinVar:

NM_001039213.4(CEACAM16):c.676G>A (p.Val226Met)

Genes: CEACAM16 (CEA cell adhesion molecule 16, tectorial membrane component; plus strand), CEACAM16-AS1 (CEACAM16, CEACAM19 and PVR antisense RNA 1; minus strand). Cytogenetic location: 19q13.32.
Variant type: single nucleotide variant.
Coding change: c.676G>A on transcript NM_001039213.4 (MANE Select); coding-DNA position 676, G replaced by A.
Protein change: p.Val226Met; replaces valine 226 with methionine.
Molecular consequence: missense variant.
Genome position (GRCh38, 1-based): chr19:44,705,604, G>A. VCF-style: chr19-44705604-G-A. GRCh37 (hg19) VCF-style: chr19-45208874-G-A.
Other names: short protein forms V226M.
Identifiers: ClinVar variation 3665834 (VCV003665834.2).

ClinVar aggregate classification (germline): Uncertain significance (1 of 4 stars; one submission).

gnomAD v4.1: 1 of 1,603,856 alleles (0.000062%); highest among the groups gnomAD compares: Non-Finnish European, 0.000085%; no homozygotes.

Submission:

Labcorp Genetics (formerly Invitae), Labcorp
Classification: Uncertain significance. Last evaluated: 2024-12-06. Review status: criteria provided, single submitter. Criteria: Invitae Variant Classification Sherloc (09022015). Collection method: clinical testing. Allele origin: germline.
Comment: This sequence change replaces valine, which is neutral and non-polar, with methionine, which is neutral and non-polar, at codon 226 of the CEACAM16 protein (p.Val226Met). This variant is not present in population databases (gnomAD no frequency). This variant has not been reported in the literature in individuals affected with CEACAM16-related conditions. Invitae Evidence Modeling of protein sequence and biophysical properties (such as structural, functional, and spatial information, amino acid conservation, physicochemical variation, residue mobility, and thermodynamic stability) indicates that this missense variant is not expected to disrupt CEACAM16 protein function with a negative predictive value of 80%. In summary, the available evidence is currently insufficient to determine the role of this variant in disease. Therefore, it has been classified as a Variant of Uncertain Significance.